The following is an entry in ClinVar:

ClinVar aggregate classification (germline): Likely benign (1 of 4 stars; one submission).

Allele frequency attached by ClinVar (database versions not stated): ESP Exome Variant Server 0.00081; 1000 Genomes Project 30x 0.00125; 1000 Genomes Project 0.00140.
gnomAD v4.1: 310 of 1,611,614 alleles (0.019%); highest among the groups gnomAD compares: African/African-American, 0.39%; no homozygotes.

Submission:

CeGaT Center for Human Genetics Tuebingen
Classification: Likely benign. Last evaluated: 2022-05-01. Review status: criteria provided, single submitter. Criteria: CeGaT Center For Human Genetics Tuebingen Variant Classification Criteria Version 2. Collection method: clinical testing. Allele origin: germline. Affected: yes. Observed: 1 variant allele.
Comment: CEP170B: BP4, BP7

NM_001112726.3(CEP170B):c.2545C>A (p.Arg849=)

Gene: CEP170B (centrosomal protein 170B; plus strand). Cytogenetic location: 14q32.33.
Variant type: single nucleotide variant.
Coding change: c.2545C>A on transcript NM_001112726.3 (MANE Select); coding-DNA position 2545, C replaced by A.
Protein change: p.Arg849=; no amino-acid change (arginine 849 retained).
Molecular consequence: synonymous variant.
Genome position (GRCh38, 1-based): chr14:104,886,784, C>A. VCF-style: chr14-104886784-C-A. GRCh37 (hg19) VCF-style: chr14-105353121-C-A.
Other names: c.2335C>A, p.Arg779= (NM_015005.3).
Identifiers: ClinVar variation 2644625 (VCV002644625.24), dbSNP rs199647851, ClinGen allele CA7375893.